The following is an entry in ClinVar:

ClinVar aggregate classification (germline): Conflicting classifications of pathogenicity. Review status: criteria provided, conflicting classifications (1 of 4 stars). 2 submissions from 2 submitters: Uncertain significance (1); Likely benign (1). Last evaluated 2025-04-09.

Allele frequency attached by ClinVar (database versions not stated): gnomAD exomes 0.00001 and 0.00002; ExAC 0.00002; TOPMed 0.00002; gnomAD 0.00005; ESP Exome Variant Server 0.00008.
gnomAD v4.1: 34 of 1,612,516 alleles (0.0021%); highest among the groups gnomAD compares: Non-Finnish European, 0.0029%; no homozygotes.

Submissions (2):

Molecular Diagnostic Laboratory for Inherited Cardiovascular Disease, Montreal Heart Institute
Classification: Likely benign. Last evaluated: 2025-04-09. Review status: criteria provided, single submitter. Criteria: ACMG Guidelines, 2015. Collection method: clinical testing. Allele origin: germline. Affected: no.
Comment: BP1

GeneDx
Classification: Uncertain significance. Last evaluated: 2014-05-14. Review status: criteria provided, single submitter. Criteria: GeneDx Variant Classification (06012015). Collection method: clinical testing. Allele origin: germline. Affected: yes.
Comment: Missense variants in the TTN gene are considered 'unclassified' if they are not previously reported in the literature and do not have >1% frequency in the population to be considered a polymorphism. Research indicates that truncating mutations in the TTN gene are expected to account for approximately 25% of familial and 18% of sporadic idiopathic DCM; however, truncating variants in the TTN gene have been reported in approximately 3% of reported control alleles. There has been little investigation into non-truncating variants. (Herman D et al. Truncations of titin causing dilated cardiomyopathy. N Eng J Med 366:619-628, 2012) The variant is found in CARDIOMYOPATHY panel(s).

NM_001267550.2(TTN):c.45724A>G (p.Arg15242Gly)

Gene: TTN (titin; minus strand). Cytogenetic location: 2q31.2.
Variant type: single nucleotide variant.
Coding change: c.45724A>G on transcript NM_001267550.2 (MANE Select); coding-DNA position 45724, A replaced by G.
Protein change: p.Arg15242Gly; replaces arginine 15242 with glycine.
Molecular consequence: missense variant.
Genome position (GRCh38, 1-based): chr2:178,620,886, T>C on the plus strand (A>G on the coding strand, the complement: TTN is on the minus strand). VCF-style: chr2-178620886-T-C. GRCh37 (hg19) VCF-style: chr2-179485613-T-C.
Other names: p.R13601G:AGA>GGA; c.40801A>G, p.Arg13601Gly (NM_001256850.1); c.18529A>G, p.Arg6177Gly (NM_003319.4); c.38020A>G, p.Arg12674Gly (NM_133378.4); c.18904A>G, p.Arg6302Gly (NM_133432.3); c.19105A>G, p.Arg6369Gly (NM_133437.4); short protein forms R13601G, R15242G, R6302G, R6177G, R12674G, R6369G.
Identifiers: ClinVar variation 202645 (VCV000202645.3), dbSNP rs373778707, ClinGen allele CA309853.
Genomic context (GRCh38, chr2:178,620,886, plus strand): 5'-AGACTAGGTCTTTTTGGAGAATGATGTATTTTGAACTATCAAATATAGCTTCTTCATTTC[T>C]GAACCATTTGGCTTTGGCACCTTCAGTATTGACTTCACAGTTGAAGACAACTTCCTGTTG-3'
Protein context (NP_001254479.2, residues 15232-15252): NTEGAKAKWF[Arg15242Gly]NEEAIFDSSK